The following is an entry in ClinVar:

ClinVar aggregate classification (germline): Pathogenic (1 of 4 stars; one submission).

Conditions:
Primary ciliary dyskinesia 3. Identifiers: Orphanet 244, MedGen C1837618, MONDO:0012085, OMIM 608644.

Submission:

Myriad Genetics, Inc.
Classification: Pathogenic for Primary ciliary dyskinesia 3. Last evaluated: 2024-05-14. Review status: criteria provided, single submitter. Criteria: Myriad Autosomal Dominant, Autosomal Recessive and X-Linked Classification Criteria (2023). Collection method: clinical testing. Allele origin: unknown.
Comment: NM_001369.2(DNAH5):c.11184_11185ins14(G3729Kfs*23) is expected to be pathogenic in the context of primary ciliary dyskinesia, DNAH5-related. This variant is predicted to lead to an abnormal or absent protein product due to the creation of a premature termination codon in DNAH5, a gene where loss-of-function variants are known to be pathogenic. Please note: this variant was assessed in the context of healthy population screening.

NM_001369.3(DNAH5):c.11184_11185insAAGAATGACAGAAT (p.Gly3729fs)

Gene: DNAH5 (dynein axonemal heavy chain 5; minus strand). Cytogenetic location: 5p15.2.
Variant type: Insertion.
Coding change: c.11184_11185insAAGAATGACAGAAT on transcript NM_001369.3 (MANE Select); coding-DNA positions 11184 to 11185, AAGAATGACAGAAT inserted.
Protein change: p.Gly3729fs; shifts the reading frame from glycine 3729.
Molecular consequence: frameshift variant.
Genome position: GRCh38 VCF-style: chr5-13751104-C-CATTCTGTCATTCTT. GRCh37 (hg19) VCF-style: chr5-13751213-C-CATTCTGTCATTCTT.
Other names: short protein forms G3729fs.
Identifiers: ClinVar variation 5011152 (VCV005011152.1).